The following is an entry in ClinVar:

ClinVar aggregate classification (germline): Uncertain significance (1 of 4 stars; one submission).

Conditions:
Leber congenital amaurosis 17 (LCA17). Identifiers: Orphanet 65, MedGen C3715164, MONDO:0014145, OMIM 615360.
Klippel-Feil syndrome 1, autosomal dominant (KFS1). Also called: CERVICAL VERTEBRAL FUSION, AUTOSOMAL DOMINANT. Identifiers: Orphanet 2345, MedGen C1861689, MONDO:0007306, OMIM 118100.
Microphthalmia, isolated, with coloboma 6 (MCOPCB6). Also called: Microphthalmia with coloboma 6, digenic; Microphthalmia with coloboma 6; MICROPHTHALMIA/COLOBOMA 6. Identifiers: Orphanet 98938, MedGen C3150968, MONDO:0013376, OMIM 613703.
Isolated microphthalmia 4. Identifiers: Orphanet 2542, MedGen C2751307, MONDO:0013130, OMIM 613094.

Submission:

Labcorp Genetics (formerly Invitae), Labcorp
Classification: Uncertain significance for Isolated microphthalmia 4; Leber congenital amaurosis 17; Klippel-Feil syndrome 1, autosomal dominant; Microphthalmia, isolated, with coloboma 6. Last evaluated: 2024-08-31. Review status: criteria provided, single submitter. Criteria: Invitae Variant Classification Sherloc (09022015). Collection method: clinical testing. Allele origin: germline.
Comment: This sequence change replaces isoleucine, which is neutral and non-polar, with phenylalanine, which is neutral and non-polar, at codon 101 of the GDF6 protein (p.Ile101Phe). This variant is not present in population databases (gnomAD no frequency). This variant has not been reported in the literature in individuals affected with GDF6-related conditions. Invitae Evidence Modeling of protein sequence and biophysical properties (such as structural, functional, and spatial information, amino acid conservation, physicochemical variation, residue mobility, and thermodynamic stability) indicates that this missense variant is expected to disrupt GDF6 protein function with a positive predictive value of 80%. In summary, the available evidence is currently insufficient to determine the role of this variant in disease. Therefore, it has been classified as a Variant of Uncertain Significance.

NM_001001557.4(GDF6):c.301A>T (p.Ile101Phe)

Gene: GDF6 (growth differentiation factor 6; minus strand). Cytogenetic location: 8q22.1.
Variant type: single nucleotide variant.
Coding change: c.301A>T on transcript NM_001001557.4 (MANE Select); coding-DNA position 301, A replaced by T.
Protein change: p.Ile101Phe; replaces isoleucine 101 with phenylalanine.
Molecular consequence: missense variant.
Genome position (GRCh38, 1-based): chr8:96,160,392, T>A on the plus strand (A>T on the coding strand, the complement: GDF6 is on the minus strand). VCF-style: chr8-96160392-T-A. GRCh37 (hg19) VCF-style: chr8-97172620-T-A.
Other names: short protein forms I101F.
Identifiers: ClinVar variation 3749958 (VCV003749958.2).